The following is an entry in ClinVar:

ClinVar aggregate classification (germline): Uncertain significance (1 of 4 stars; one submission).

Conditions:
Long QT syndrome (LQTS). Identifiers: MedGen C0023976, MeSH D008133, MONDO:0002442. Disease mechanism: loss of function. Inheritance: Various modes of inheritance.

Submissions (2):

Labcorp Genetics (formerly Invitae), Labcorp
Classification: Uncertain significance for Long QT syndrome. Last evaluated: 2024-02-17. Review status: criteria provided, single submitter. Criteria: Invitae Variant Classification Sherloc (09022015). Collection method: clinical testing. Allele origin: germline.
Comment: This sequence change replaces aspartic acid, which is acidic and polar, with glutamic acid, which is acidic and polar, at codon 85 of the KCNE1 protein (p.Asp85Glu). This variant is not present in population databases (gnomAD no frequency). This variant has not been reported in the literature in individuals affected with KCNE1-related conditions. Advanced modeling of protein sequence and biophysical properties (such as structural, functional, and spatial information, amino acid conservation, physicochemical variation, residue mobility, and thermodynamic stability) has been performed at Invitae for this missense variant, however the output from this modeling did not meet the statistical confidence thresholds required to predict the impact of this variant on KCNE1 protein function. In summary, the available evidence is currently insufficient to determine the role of this variant in disease. Therefore, it has been classified as a Variant of Uncertain Significance.

Roden Lab, Vanderbilt University Medical Center
No classification provided (evidence only). Condition: Long QT syndrome 5. Review status: no classification provided. Collection method: in vitro. Allele origin: not applicable. Functional consequence: Effect on ion channel function. Not counted in ClinVar's aggregate classification.
ClinVar note: "not provided" was previously submitted as the classification for the variant. However, the classification appeared to be based only on an observation of functional data so it was converted to no classification on 2025-07-30.

NM_000219.6(KCNE1):c.255T>A (p.Asp85Glu)

Gene: KCNE1 (potassium voltage-gated channel subfamily E regulatory subunit 1; minus strand). Cytogenetic location: 21q22.12.
Variant type: single nucleotide variant.
Coding change: c.255T>A on transcript NM_000219.6 (MANE Select); coding-DNA position 255, T replaced by A.
Protein change: p.Asp85Glu; replaces aspartic acid 85 with glutamic acid.
Molecular consequence: missense variant.
Genome position (GRCh38, 1-based): chr21:34,449,380, A>T on the plus strand (T>A on the coding strand, the complement: KCNE1 is on the minus strand). VCF-style: chr21-34449380-A-T. GRCh37 (hg19) VCF-style: chr21-35821678-A-T.
Other names: c.255T>A, p.Asp85Glu (NM_001127668.4, NM_001127669.4, NM_001127670.4 and 4 more transcripts); short protein forms D85E.
Identifiers: ClinVar variation 3374451 (VCV003374451.4).
Genomic context (GRCh38, chr21:34,449,380, plus strand): 5'-CGACCTGTAGCTCTCCAGGACCCGGGCCTGGACATAGGCCTTGTCCTTCTCTTGCCAGGC[A>T]TCGGACTCGATGTAGACGTTGAATGGGTCGTTCGAGTGCTCCAGCTTCTTGGAGCGGATG-3'
Protein context (NP_000210.2, residues 75-95): NDPFNVYIES[Asp85Glu]AWQEKDKAYV